The following is an entry in ClinVar:

NM_018130.3(SHQ1):c.443A>G (p.Tyr148Cys)

Gene: SHQ1 (SHQ1, H/ACA ribonucleoprotein assembly factor; minus strand). Cytogenetic location: 3p13.
Variant type: single nucleotide variant.
Coding change: c.443A>G on transcript NM_018130.3 (MANE Select); coding-DNA position 443, A replaced by G.
Protein change: p.Tyr148Cys; replaces tyrosine 148 with cysteine.
Molecular consequence: missense variant.
Genome position (GRCh38, 1-based): chr3:72,841,088, T>C on the plus strand (A>G on the coding strand, the complement: SHQ1 is on the minus strand). VCF-style: chr3-72841088-T-C. GRCh37 (hg19) VCF-style: chr3-72890239-T-C.
Other names: short protein forms Y148C.
Identifiers: ClinVar variation 2136220 (VCV002136220.3), dbSNP rs780333535, ClinGen allele CA2492607.

ClinVar aggregate classification (germline): Uncertain significance. Review status: criteria provided, multiple submitters, no conflicts (2 of 4 stars). 3 submissions from 3 submitters: Uncertain significance (3). Last evaluated 2026-08-01.

Conditions:
Neurodevelopmental disorder with dystonia and seizures (NEDDS). Identifiers: MedGen C5677004, MONDO:0859258, OMIM 619922.

Allele frequency attached by ClinVar (database versions not stated): ExAC 0.00001; TOPMed 0.00001.

Submissions (3):

CeGaT Center for Human Genetics Tuebingen
Classification: Uncertain significance. Last evaluated: 2026-08-01. Review status: criteria provided, single submitter. Criteria: CeGaT Center For Human Genetics Tuebingen Variant Classification Criteria Version 2. Collection method: clinical testing. Allele origin: germline. Affected: yes. Observed: 2 variant alleles.
Comment: SHQ1: PM2, PM3

3billion
Classification: Uncertain significance for Neurodevelopmental disorder with dystonia and seizures. Last evaluated: 2025-05-02. Review status: criteria provided, single submitter. Criteria: ACMG Guidelines, 2015. Collection method: clinical testing. Allele origin: germline. Affected: yes.
Comment: The variant is observed at an extremely low frequency in the gnomAD v4.1.0 dataset (total allele frequency: 0.001%). Predicted Consequence/Location: Missense variant In silico tool predictions suggest damaging effect of the variant on gene or gene product [REVEL: 0.77 (>=0.6, sensitivity 0.68 and specificity 0.92)]. The variant has been reported as of uncertain significance (ClinVar ID: VCV002136220). Therefore, this variant is classified as VUS according to the recommendation of ACMG/AMP guideline.

GeneDx
Classification: Uncertain significance. Last evaluated: 2022-07-21. Review status: criteria provided, single submitter. Criteria: GeneDx Variant Classification Process June 2021. Collection method: clinical testing. Allele origin: germline. Affected: yes.
Comment: In silico analysis supports that this missense variant has a deleterious effect on protein structure/function; Has not been previously published as pathogenic or benign to our knowledge